The following is an entry in ClinVar:

NM_001371986.1(UNC80):c.7888A>G (p.Ile2630Val)

Gene: UNC80 (unc-80 subunit of NALCN channel complex; plus strand). Cytogenetic location: 2q34.
Variant type: single nucleotide variant.
Coding change: c.7888A>G on transcript NM_001371986.1 (MANE Select); coding-DNA position 7888, A replaced by G.
Protein change: p.Ile2630Val; replaces isoleucine 2630 with valine.
Molecular consequence: missense variant.
Genome position (GRCh38, 1-based): chr2:209,967,519, A>G. VCF-style: chr2-209967519-A-G. GRCh37 (hg19) VCF-style: chr2-210832243-A-G.
Other names: c.7690A>G, p.Ile2564Val (NM_032504.2); c.7675A>G, p.Ile2559Val (NM_182587.4); short protein forms I2564V, I2630V, I2559V.
Identifiers: ClinVar variation 1032288 (VCV001032288.5), dbSNP rs190106609, ClinGen allele CA2083512.

ClinVar aggregate classification (germline): Uncertain significance. Review status: criteria provided, multiple submitters, no conflicts (2 of 4 stars). 3 submissions from 3 submitters: Uncertain significance (3). Last evaluated 2024-08-04.

Conditions:
Hypotonia, infantile, with psychomotor retardation and characteristic facies 2 (IHPRF2). Also called: UNC80 Deficiency. Identifiers: Orphanet 371364, Orphanet 700333, MedGen C4225203, MONDO:0014777, OMIM 616801.

Allele frequency attached by ClinVar (database versions not stated): gnomAD 0.00003 and 0.00001; gnomAD exomes 0.00003 and 0.00005; ExAC 0.00005; 1000 Genomes Project 30x 0.00031; 1000 Genomes Project 0.00040; TOPMed 0.00001.
gnomAD v4.1: 69 of 1,551,660 alleles (0.0044%); highest among the groups gnomAD compares: Non-Finnish European, 0.0054%; no homozygotes.

Submissions (3):

GeneDx
Classification: Uncertain significance. Last evaluated: 2024-08-04. Review status: criteria provided, single submitter. Criteria: GeneDx Variant Classification Process June 2021. Collection method: clinical testing. Allele origin: germline. Affected: yes.
Comment: In silico analysis indicates that this missense variant does not alter protein structure/function; Has not been previously published as pathogenic or benign to our knowledge

Labcorp Genetics (formerly Invitae), Labcorp
Classification: Uncertain significance. Last evaluated: 2022-08-16. Review status: criteria provided, single submitter. Criteria: Invitae Variant Classification Sherloc (09022015). Collection method: clinical testing. Allele origin: germline.
Comment: This sequence change replaces isoleucine, which is neutral and non-polar, with valine, which is neutral and non-polar, at codon 2564 of the UNC80 protein (p.Ile2564Val). This variant is present in population databases (rs190106609, gnomAD 0.006%). This variant has not been reported in the literature in individuals affected with UNC80-related conditions. ClinVar contains an entry for this variant (Variation ID: 1032288). Algorithms developed to predict the effect of missense changes on protein structure and function output the following: SIFT: "Not Available"; PolyPhen-2: "Benign"; Align-GVGD: "Not Available". The valine amino acid residue is found in multiple mammalian species, which suggests that this missense change does not adversely affect protein function. In summary, the available evidence is currently insufficient to determine the role of this variant in disease. Therefore, it has been classified as a Variant of Uncertain Significance.

Baylor Genetics
Classification: Uncertain significance for Hypotonia, infantile, with psychomotor retardation and characteristic facies 2. Last evaluated: 2018-08-07. Review status: criteria provided, single submitter. Criteria: ACMG Guidelines, 2015. Collection method: clinical testing. Allele origin: unknown. Affected: yes.
Comment: This variant was determined to be of uncertain significance according to ACMG Guidelines, 2015 [PMID:25741868].